The following is an entry in ClinVar:

ClinVar aggregate classification (germline): Uncertain significance (1 of 4 stars; one submission).

Conditions:
Neuropathy, hereditary sensory and autonomic, type 1C. Also called: HSAN IC; HSN IC. Identifiers: Orphanet 36386, MedGen C3150896, MONDO:0013337, OMIM 613640.

Submission:

Labcorp Genetics (formerly Invitae), Labcorp
Classification: Uncertain significance for Neuropathy, hereditary sensory and autonomic, type 1C. Last evaluated: 2019-06-20. Review status: criteria provided, single submitter. Criteria: Invitae Variant Classification Sherloc (09022015). Collection method: clinical testing. Allele origin: germline.
Comment: In summary, the available evidence is currently insufficient to determine the role of this variant in disease. Therefore, it has been classified as a Variant of Uncertain Significance. This variant has not been reported in the literature in individuals with SPTLC2-related conditions. This variant results in a copy number gain of the genomic region encompassing exons 3-12 of the SPTLC2 gene. The 5' boundary is likely confined to intron 2. The 3' end of this event is unknown as it extends beyond the assayed region for this gene and therefore may encompass additional genes. As the precise location of this event is unknown, it may be in tandem or it may be located elsewhere in the genome.

NC_000014.9:g.(?_77512274)_(77579119_?)dup

Gene: SPTLC2 (serine palmitoyltransferase long chain base subunit 2; minus strand). Cytogenetic location: 14q24.3.
Variant type: Duplication.
Identifiers: ClinVar variation 831410 (VCV000831410.6).